The following is an entry in ClinVar:

NM_025074.7(FRAS1):c.3974A>G (p.Gln1325Arg)

Gene: FRAS1 (Fraser extracellular matrix complex subunit 1; plus strand). Cytogenetic location: 4q21.21.
Variant type: single nucleotide variant.
Coding change: c.3974A>G on transcript NM_025074.7 (MANE Select); coding-DNA position 3974, A replaced by G.
Protein change: p.Gln1325Arg; replaces glutamine 1325 with arginine.
Molecular consequence: missense variant.
Genome position (GRCh38, 1-based): chr4:78,387,700, A>G. VCF-style: chr4-78387700-A-G. GRCh37 (hg19) VCF-style: chr4-79308854-A-G.
Other names: p.Gln1325Arg; c.3974A>G, p.Gln1325Arg (NM_001166133.2); c.3974A>G (NM_025074.6); short protein forms Q1325R.
Identifiers: ClinVar variation 3379540 (VCV003379540.2).

ClinVar aggregate classification (germline): Uncertain significance. Review status: criteria provided, multiple submitters, no conflicts (2 of 4 stars). 2 submissions from 2 submitters: Uncertain significance (2). Last evaluated 2024-10-19.

Conditions:
Inborn genetic diseases. Identifiers: MedGen C0950123, MeSH D030342.

gnomAD v4.1: 104 of 1,513,312 alleles (0.0069%); highest among the groups gnomAD compares: Non-Finnish European, 0.009%; no homozygotes.

Submissions (2):

Ambry Genetics
Classification: Uncertain significance for Inborn genetic diseases. Last evaluated: 2024-10-19. Review status: criteria provided, single submitter. Criteria: Ambry Variant Classification Scheme 2023. Collection method: clinical testing. Allele origin: germline.

Mayo Clinic Laboratories, Mayo Clinic
Classification: Uncertain significance. Last evaluated: 2024-01-17. Review status: criteria provided, single submitter. Criteria: ACMG Guidelines, 2015. Collection method: clinical testing. Allele origin: germline. Observed: 1 variant allele.
Comment: BP4

Literature cited by the submitters: PubMed 34946966 (cited by Mayo Clinic Laboratories, Mayo Clinic).